The following is an entry in ClinVar:

ClinVar aggregate classification (germline): Likely benign. Review status: criteria provided, multiple submitters, no conflicts (2 of 4 stars). 3 submissions from 3 submitters: Likely benign (2). 1 of the submissions does not count toward it. Last evaluated 2023-11-13.

Conditions:
NUP205-related disorder. Also called: NUP205-related condition.

Allele frequency attached by ClinVar (database versions not stated): ESP Exome Variant Server 0.00008; ExAC 0.00021; gnomAD exomes 0.00033; gnomAD 0.00035; TOPMed 0.00048.
gnomAD v4.1: 484 of 1,394,598 alleles (0.035%); highest among the groups gnomAD compares: Admixed American, 0.062%; 1 homozygote.

Submissions (3):

Labcorp Genetics (formerly Invitae), Labcorp
Classification: Likely benign. Last evaluated: 2023-11-13. Review status: criteria provided, single submitter. Criteria: Invitae Variant Classification Sherloc (09022015). Collection method: clinical testing. Allele origin: germline.

CeGaT Center for Human Genetics Tuebingen
Classification: Likely benign. Last evaluated: 2023-02-01. Review status: criteria provided, single submitter. Criteria: CeGaT Center For Human Genetics Tuebingen Variant Classification Criteria Version 2. Collection method: clinical testing. Allele origin: germline. Affected: yes. Observed: 1 variant allele.
Comment: NUP205: BP4

PreventionGenetics, part of Exact Sciences
Classification: Likely benign for NUP205-related condition. Last evaluated: 2022-12-20. Review status: no assertion criteria provided. Collection method: clinical testing. Allele origin: germline. Not counted in ClinVar's aggregate classification.
Comment: This variant is classified as likely benign based on ACMG/AMP sequence variant interpretation guidelines (Richards et al. 2015 PMID: 25741868, with internal and published modifications).

NM_015135.3(NUP205):c.153C>T (p.Ile51=)

Gene: NUP205 (nucleoporin 205; plus strand). Cytogenetic location: 7q33.
Variant type: single nucleotide variant.
Coding change: c.153C>T on transcript NM_015135.3 (MANE Select); coding-DNA position 153, C replaced by T.
Protein change: p.Ile51=; no amino-acid change (isoleucine 51 retained).
Molecular consequence: synonymous variant. On other transcripts: 5 prime UTR variant (1).
Genome position (GRCh38, 1-based): chr7:135,571,229, C>T. VCF-style: chr7-135571229-C-T. GRCh37 (hg19) VCF-style: chr7-135255977-C-T.
Other names: c.-933C>T (NM_001329434.2); c.153C>T (NM_015135.2).
Identifiers: ClinVar variation 2057170 (VCV002057170.29), dbSNP rs376170020, ClinGen allele CA4497763.